The following is an entry in ClinVar:

ClinVar aggregate classification (germline): Pathogenic (1 of 4 stars; one submission).

Conditions:
Hermansky-Pudlak syndrome 3 (HPS3). Identifiers: Orphanet 231512, Orphanet 79430, MedGen C3888001, MONDO:0013555, OMIM 614072.

Submission:

Myriad Genetics, Inc.
Classification: Pathogenic for Hermansky-Pudlak syndrome 3. Last evaluated: 2024-05-14. Review status: criteria provided, single submitter. Criteria: Myriad Autosomal Dominant, Autosomal Recessive and X-Linked Classification Criteria (2023). Collection method: clinical testing. Allele origin: unknown.
Comment: NM_032383.3(HPS3):c.2514T>A(Y838*) is expected to be pathogenic in the context of Hermansky-Pudlak syndrome, HPS3-related. This variant is predicted to lead to an abnormal or absent protein product due to the creation of a premature termination codon in HPS3, a gene where loss-of-function variants are known to be pathogenic. Please note: this variant was assessed in the context of healthy population screening.

NM_032383.5(HPS3):c.2514T>A (p.Tyr838Ter)

Genes: CP (ceruloplasmin; minus strand), HPS3 (HPS3 biogenesis of lysosomal organelles complex 2 subunit 1; plus strand). Cytogenetic location: 3q24.
Variant type: single nucleotide variant.
Coding change: c.2514T>A on transcript NM_032383.5 (MANE Select); coding-DNA position 2514, T replaced by A.
Protein change: p.Tyr838Ter; replaces tyrosine 838 with a stop codon.
Molecular consequence: nonsense.
Genome position (GRCh38, 1-based): chr3:149,163,874, T>A. VCF-style: chr3-149163874-T-A. GRCh37 (hg19) VCF-style: chr3-148881661-T-A.
Other names: c.2019T>A, p.Tyr673Ter (NM_001308258.2); short protein forms Y673*, Y838*.
Identifiers: ClinVar variation 5010613 (VCV005010613.1).